The following is an entry in ClinVar:

NM_001127898.4(CLCN5):c.765T>G (p.Tyr255Ter)

Gene: CLCN5 (Cl-/H+ antiporter 5; plus strand). Cytogenetic location: Xp11.23.
Variant type: single nucleotide variant.
Coding change: c.765T>G on transcript NM_001127898.4 (MANE Select); coding-DNA position 765, T replaced by G.
Protein change: p.Tyr255Ter; replaces tyrosine 255 with a stop codon.
Molecular consequence: nonsense.
Genome position (GRCh38, 1-based): chrX:50,081,679, T>G. VCF-style: chrX-50081679-T-G. GRCh37 (hg19) VCF-style: chrX-49846336-T-G.
Other names: c.555T>G, p.Tyr185Ter (NM_000084.5); c.765T>G, p.Tyr255Ter (NM_001127899.4); c.615T>G, p.Tyr205Ter (NM_001282163.2); short protein forms Y185*, Y205*, Y255*.
Identifiers: ClinVar variation 3774581 (VCV003774581.1).

ClinVar aggregate classification (germline): Pathogenic (1 of 4 stars; one submission).

Conditions:
Dent disease type 1 (DENT1). Also called: NEPHROLITHIASIS 2; NEPHROLITHIASIS, HYPERCALCIURIC, X-LINKED. Identifiers: Orphanet 1652, Orphanet 93622, MedGen C1848336, MONDO:0010225, OMIM 300009.

Submission:

MVZ Medizinische Genetik Mainz
Classification: Pathogenic for Dent disease type 1. Last evaluated: 2025-02-19. Review status: criteria provided, single submitter. Criteria: UK Practice Guidelines For Variant Classification V4 01 2020. Collection method: clinical testing. Allele origin: germline. Inheritance: X-linked recessive inheritance. Affected: yes. Observed: 1 variant allele.
Comment: ACMG Criteria: PVS1,PM2_SUP,PP4